The following is an entry in ClinVar:

ClinVar aggregate classification (germline): Likely benign (1 of 4 stars; one submission).

Submission:

GeneDx
Classification: Likely benign. Last evaluated: 2017-11-21. Review status: criteria provided, single submitter. Criteria: GeneDx Variant Classification (06012015). Collection method: clinical testing. Allele origin: germline. Affected: yes.
Comment: This variant is considered likely benign or benign based on one or more of the following criteria: it is a conservative change, it occurs at a poorly conserved position in the protein, it is predicted to be benign by multiple in silico algorithms, and/or has population frequency not consistent with disease.

NM_001098.3(ACO2):c.526-15T>G

Gene: ACO2 (aconitase 2; plus strand). Cytogenetic location: 22q13.2.
Variant type: single nucleotide variant.
Coding change: c.526-15T>G on transcript NM_001098.3 (MANE Select); 15 bases into the intron before coding-DNA position 526, T replaced by G.
Molecular consequence: intron variant.
Genome position (GRCh38, 1-based): chr22:41,515,362, T>G. VCF-style: chr22-41515362-T-G. GRCh37 (hg19) VCF-style: chr22-41911366-T-G.
Identifiers: ClinVar variation 513236 (VCV000513236.1), dbSNP rs1555888881, ClinGen allele CA658799552.
Genomic context (GRCh38, chr22:41,515,362, plus strand): 5'-CCCGGGTCAGTGGGGCCATTTTTTGGTATTCTCGGCTGAGGGCTTCTAAATATAACATCT[T>G]GGATTATTTTTCAGATTATTCTGGAAAACTATGCGTACCCTGGTGTTCTTCTGATTGGCA-3'